The following is an entry in ClinVar:

NM_001197104.2(KMT2A):c.11311G>A (p.Val3771Ile)

Genes: KMT2A (lysine methyltransferase 2A; plus strand), TTC36-AS1 (TTC36 and KMT2A antisense RNA 1; minus strand). Cytogenetic location: 11q23.3.
Variant type: single nucleotide variant.
Coding change: c.11311G>A on transcript NM_001197104.2 (MANE Select); coding-DNA position 11311, G replaced by A.
Protein change: p.Val3771Ile; replaces valine 3771 with isoleucine.
Molecular consequence: missense variant.
Genome position (GRCh38, 1-based): chr11:118,519,782, G>A. VCF-style: chr11-118519782-G-A. GRCh37 (hg19) VCF-style: chr11-118390497-G-A.
Other names: c.11401G>A, p.Val3801Ile (NM_001412597.1); c.11302G>A, p.Val3768Ile (NM_005933.4); short protein forms V3771I, V3801I, V3768I.
Identifiers: ClinVar variation 1901313 (VCV001901313.5), dbSNP rs2135284111, ClinGen allele CA382833168.

ClinVar aggregate classification (germline): Uncertain significance (1 of 4 stars; one submission).

Submission:

Labcorp Genetics (formerly Invitae), Labcorp
Classification: Uncertain significance. Last evaluated: 2023-08-30. Review status: criteria provided, single submitter. Criteria: Invitae Variant Classification Sherloc (09022015). Collection method: clinical testing. Allele origin: germline.
Comment: In summary, the available evidence is currently insufficient to determine the role of this variant in disease. Therefore, it has been classified as a Variant of Uncertain Significance. Advanced modeling of protein sequence and biophysical properties (such as structural, functional, and spatial information, amino acid conservation, physicochemical variation, residue mobility, and thermodynamic stability) performed at Invitae indicates that this missense variant is not expected to disrupt KMT2A protein function. ClinVar contains an entry for this variant (Variation ID: 1901313). This variant has not been reported in the literature in individuals affected with KMT2A-related conditions. This variant is not present in population databases (gnomAD no frequency). This sequence change replaces valine, which is neutral and non-polar, with isoleucine, which is neutral and non-polar, at codon 3771 of the KMT2A protein (p.Val3771Ile).